The following is an entry in ClinVar:

ClinVar aggregate classification (germline): Uncertain significance (1 of 4 stars; one submission).

Conditions:
Inborn genetic diseases. Identifiers: MedGen C0950123, MeSH D030342.

gnomAD v4.1: 1 of 1,574,444 alleles (0.000064%); highest among the groups gnomAD compares: Non-Finnish European, 0.000086%; no homozygotes.

Submission:

Ambry Genetics
Classification: Uncertain significance for Inborn genetic diseases. Last evaluated: 2024-11-28. Review status: criteria provided, single submitter. Criteria: Ambry Variant Classification Scheme 2023. Collection method: clinical testing. Allele origin: germline.
Comment: The p.G147S variant (also known as c.439G>A), located in coding exon 2 of the ERCC6L2 gene, results from a G to A substitution at nucleotide position 439. The glycine at codon 147 is replaced by serine, an amino acid with similar properties. This amino acid position is conserved. In addition, this alteration is predicted to be deleterious by in silico analysis. Based on the available evidence, the clinical significance of this variant remains unclear.

NM_020207.7(ERCC6L2):c.439G>A (p.Gly147Ser)

Gene: ERCC6L2 (ERCC excision repair 6 like 2; plus strand). Cytogenetic location: 9q22.32.
Variant type: single nucleotide variant.
Coding change: c.439G>A on transcript NM_020207.7 (MANE Select); coding-DNA position 439, G replaced by A.
Protein change: p.Gly147Ser; replaces glycine 147 with serine.
Molecular consequence: missense variant. On other transcripts: non-coding transcript variant (1).
Genome position (GRCh38, 1-based): chr9:95,881,261, G>A. VCF-style: chr9-95881261-G-A. GRCh37 (hg19) VCF-style: chr9-98643543-G-A.
Other names: c.439G>A, p.Gly147Ser (NM_001010895.4, NM_001375291.1, NM_001375292.1 and 2 more transcripts); short protein forms G147S.
Identifiers: ClinVar variation 3510006 (VCV003510006.1).